The following is an entry in ClinVar:

NM_033087.4(ALG2):c.814G>A (p.Glu272Lys)

Gene: ALG2 (ALG2 alpha-1,3/1,6-mannosyltransferase; minus strand). Cytogenetic location: 9q22.33.
Variant type: single nucleotide variant.
Coding change: c.814G>A on transcript NM_033087.4 (MANE Select); coding-DNA position 814, G replaced by A.
Protein change: p.Glu272Lys; replaces glutamic acid 272 with lysine.
Molecular consequence: missense variant. On other transcripts: non-coding transcript variant (1).
Genome position (GRCh38, 1-based): chr9:99,218,371, C>T on the plus strand (G>A on the coding strand, the complement: ALG2 is on the minus strand). VCF-style: chr9-99218371-C-T. GRCh37 (hg19) VCF-style: chr9-101980653-C-T.
Other names: p.Glu272Lys; short protein forms E272K.
Identifiers: ClinVar variation 2008872 (VCV002008872.5), dbSNP rs1828733483, ClinGen allele CA374227515.

ClinVar aggregate classification (germline): Uncertain significance. Review status: criteria provided, multiple submitters, no conflicts (2 of 4 stars). 2 submissions from 2 submitters: Uncertain significance (2). Last evaluated 2024-03-05.

Conditions:
Congenital disorder of glycosylation, type Ii. Also called: CDG Ii; ALG2-CDG; ALG2-congenital disorder of glycosylation. Identifiers: Orphanet 79326, MedGen C1842836, MONDO:0011933, OMIM 607906.
Congenital myasthenic syndrome 14. Also called: Myasthenic syndrome, congenital, 14, with tubular aggregates. Identifiers: Orphanet 353327, Orphanet 590, MedGen C4015597, MONDO:0014543, OMIM 616228.

Allele frequency attached by ClinVar (database versions not stated): gnomAD exomes below 0.00001.
gnomAD v4.1: 6 of 1,614,240 alleles (0.00037%); highest among the groups gnomAD compares: Non-Finnish European, 0.00051%; no homozygotes.

Submissions (2):

Mayo Clinic Laboratories, Mayo Clinic
Classification: Uncertain significance. Last evaluated: 2024-03-05. Review status: criteria provided, single submitter. Criteria: ACMG Guidelines, 2015. Collection method: clinical testing. Allele origin: germline. Observed: 1 variant allele.
Comment: BP4

Labcorp Genetics (formerly Invitae), Labcorp
Classification: Uncertain significance for Congenital disorder of glycosylation, type Ii; Congenital myasthenic syndrome 14. Last evaluated: 2022-07-27. Review status: criteria provided, single submitter. Criteria: Invitae Variant Classification Sherloc (09022015). Collection method: clinical testing. Allele origin: germline.
Comment: This variant has not been reported in the literature in individuals affected with ALG2-related conditions. Algorithms developed to predict the effect of missense changes on protein structure and function output the following: SIFT: "Tolerated"; PolyPhen-2: "Benign"; Align-GVGD: "Class C0". The lysine amino acid residue is found in multiple mammalian species, which suggests that this missense change does not adversely affect protein function. In summary, the available evidence is currently insufficient to determine the role of this variant in disease. Therefore, it has been classified as a Variant of Uncertain Significance. This variant is not present in population databases (gnomAD no frequency). This sequence change replaces glutamic acid, which is acidic and polar, with lysine, which is basic and polar, at codon 272 of the ALG2 protein (p.Glu272Lys).